The following is an entry in ClinVar:

NM_024685.4(BBS10):c.-52C>T

Gene: BBS10 (Bardet-Biedl syndrome 10; minus strand). Cytogenetic location: 12q21.2.
Variant type: single nucleotide variant.
Coding change: c.-52C>T on transcript NM_024685.4 (MANE Select); 52 bases upstream of the start codon, C replaced by T.
Molecular consequence: 5 prime UTR variant.
Genome position (GRCh38, 1-based): chr12:76,348,410, G>A on the plus strand (C>T on the coding strand, the complement: BBS10 is on the minus strand). VCF-style: chr12-76348410-G-A. GRCh37 (hg19) VCF-style: chr12-76742190-G-A.
Other names: c.-52C>T (LRG_1255t1).
Identifiers: ClinVar variation 310502 (VCV000310502.7), dbSNP rs79580268, ClinGen allele CA6694463.

ClinVar aggregate classification (germline): Benign. Review status: criteria provided, multiple submitters, no conflicts (2 of 4 stars). 3 submissions from 3 submitters: Benign (3). Last evaluated 2021-05-10.

Conditions:
Bardet-Biedl syndrome 10 (BBS10). Identifiers: Orphanet 110, MedGen C1859568, MONDO:0014438, OMIM 615987.

Allele frequency attached by ClinVar (database versions not stated): TOPMed 0.04585; ExAC 0.01054; ESP Exome Variant Server 0.02909; 1000 Genomes Project 30x 0.04403; gnomAD exomes 0.00941; 1000 Genomes Project 0.04073; gnomAD 0.03953 and 0.04214.

Submissions (3):

GeneDx
Classification: Benign. Last evaluated: 2021-05-10. Review status: criteria provided, single submitter. Criteria: GeneDx Variant Classification Process June 2021. Collection method: clinical testing. Allele origin: germline. Affected: yes.

Illumina Laboratory Services, Illumina
Classification: Benign for Bardet-Biedl syndrome 10. Last evaluated: 2018-01-13. Review status: criteria provided, single submitter. Criteria: ICSL Variant Classification Criteria 13 December 2019. Collection method: clinical testing. Allele origin: germline.
Comment: This variant was observed in the ICSL laboratory as part of a predisposition screen in an ostensibly healthy population. It had not been previously curated by ICSL or reported in the Human Gene Mutation Database (HGMD: prior to June 1st, 2018), and was therefore a candidate for classification through an automated scoring system. Utilizing variant allele frequency, disease prevalence and penetrance estimates, and inheritance mode, an automated score was calculated to assess if this variant is too frequent to cause the disease. Based on the score and internal cut-off values, a variant classified as benign is not then subjected to further curation. The score for this variant resulted in a classification of benign for this disease.

Breakthrough Genomics
Classification: Benign. Review status: criteria provided, single submitter. Criteria: ACMG Guidelines, 2015. Collection method: not provided. Allele origin: germline. Inheritance: Autosomal recessive inheritance. Affected: yes.